The following is an entry in ClinVar:

ClinVar aggregate classification (germline): Benign. Review status: criteria provided, multiple submitters, no conflicts (2 of 4 stars). 3 submissions from 3 submitters: Benign (3). Last evaluated 2018-06-22.

Conditions:
Congenital Muscular Dystrophy, alpha-dystroglycan related.

Allele frequency attached by ClinVar (database versions not stated): 1000 Genomes Project 0.02336; 1000 Genomes Project 30x 0.02389; TOPMed 0.03961; ESP Exome Variant Server 0.04030.
gnomAD v4.1: 61,924 of 1,190,132 alleles (5.2%); highest among the groups gnomAD compares: Non-Finnish European, 6.1%; 1,910 homozygotes.

Submissions (3):

GeneDx
Classification: Benign. Last evaluated: 2018-06-22. Review status: criteria provided, single submitter. Criteria: GeneDx Variant Classification Process June 2021. Collection method: clinical testing. Allele origin: germline. Affected: yes.

Illumina Laboratory Services, Illumina
Classification: Benign for Congenital Muscular Dystrophy, alpha-dystroglycan related. Last evaluated: 2018-01-12. Review status: criteria provided, single submitter. Criteria: ICSL Variant Classification Criteria 13 December 2019. Collection method: clinical testing. Allele origin: germline.
Comment: This variant was observed in the ICSL laboratory as part of a predisposition screen in an ostensibly healthy population. It had not been previously curated by ICSL or reported in the Human Gene Mutation Database (HGMD: prior to June 1st, 2018), and was therefore a candidate for classification through an automated scoring system. Utilizing variant allele frequency, disease prevalence and penetrance estimates, and inheritance mode, an automated score was calculated to assess if this variant is too frequent to cause the disease. Based on the score and internal cut-off values, a variant classified as benign is not then subjected to further curation. The score for this variant resulted in a classification of benign for this disease.

PreventionGenetics, part of Exact Sciences
Classification: Benign. Review status: criteria provided, single submitter. Criteria: ACMG Guidelines, 2015. Collection method: clinical testing. Allele origin: germline.

NM_001101426.4(CRPPA):c.*34C>G

Gene: CRPPA (CDP-L-ribitol pyrophosphorylase A; minus strand). Cytogenetic location: 7p21.2.
Variant type: single nucleotide variant.
Coding change: c.*34C>G on transcript NM_001101426.4 (MANE Select); 34 bases downstream of the stop codon, C replaced by G.
Molecular consequence: 3 prime UTR variant. On other transcripts: non-coding transcript variant (1).
Genome position (GRCh38, 1-based): chr7:16,091,661, G>C on the plus strand (C>G on the coding strand, the complement: CRPPA is on the minus strand). VCF-style: chr7-16091661-G-C. GRCh37 (hg19) VCF-style: chr7-16131286-G-C.
Other names: c.*34C>G (NM_001101417.4, NM_001368197.1).
Identifiers: ClinVar variation 257460 (VCV000257460.9), dbSNP rs16878689, ClinGen allele CA4169312.